The following is an entry in ClinVar:

ClinVar aggregate classification (germline): Uncertain significance (1 of 4 stars; one submission).

Conditions:
Rhabdoid tumor predisposition syndrome 2 (RTPS2). Identifiers: Orphanet 231108, Orphanet 69077, MedGen C2750074, MONDO:0013224, OMIM 613325.

Submission:

Labcorp Genetics (formerly Invitae), Labcorp
Classification: Uncertain significance for Rhabdoid tumor predisposition syndrome 2. Last evaluated: 2022-06-20. Review status: criteria provided, single submitter. Criteria: Invitae Variant Classification Sherloc (09022015). Collection method: clinical testing. Allele origin: germline.
Comment: In summary, the available evidence is currently insufficient to determine the role of this variant in disease. Therefore, it has been classified as a Variant of Uncertain Significance. Algorithms developed to predict the effect of missense changes on protein structure and function are either unavailable or do not agree on the potential impact of this missense change (SIFT: "Deleterious"; PolyPhen-2: "Benign"; Align-GVGD: "Class C15"). ClinVar contains an entry for this variant (Variation ID: 537810). This variant has not been reported in the literature in individuals affected with SMARCA4-related conditions. This variant is not present in population databases (gnomAD no frequency). This sequence change replaces cysteine, which is neutral and slightly polar, with tyrosine, which is neutral and polar, at codon 1205 of the SMARCA4 protein (p.Cys1205Tyr).

NM_003072.5(SMARCA4):c.3614G>A (p.Cys1205Tyr)

Gene: SMARCA4 (SWI/SNF related BAF chromatin remodeling complex subunit ATPase 4; plus strand). Cytogenetic location: 19p13.2.
Variant type: single nucleotide variant.
Coding change: c.3614G>A on transcript NM_003072.5 (MANE Select); coding-DNA position 3614, G replaced by A.
Protein change: p.Cys1205Tyr; replaces cysteine 1205 with tyrosine.
Molecular consequence: missense variant. On other transcripts: non-coding transcript variant (1).
Genome position (GRCh38, 1-based): chr19:11,033,357, G>A. VCF-style: chr19-11033357-G-A. GRCh37 (hg19) VCF-style: chr19-11144033-G-A.
Other names: c.3614G>A, p.Cys1205Tyr (NM_001128844.3, NM_001128845.2, NM_001128846.2 and 5 more transcripts); short protein forms C1205Y.
Identifiers: ClinVar variation 537810 (VCV000537810.8), dbSNP rs112043656, ClinGen allele CA305290464.